The following is an entry in ClinVar:

ClinVar aggregate classification (germline): Uncertain significance (1 of 4 stars; one submission).

Conditions:
3-methylcrotonyl-CoA carboxylase 2 deficiency. Also called: METHYLCROTONYLGLYCINURIA, TYPE II; 3 alpha methylcrotonyl-CoA carboxylase 2 deficiency; 3 alpha methylcrotonylglycinuria 2; MCC 2 deficiency; Methylcrotonylglycinuria type 2. Identifiers: Orphanet 6, MedGen C1859499, MONDO:0008862, OMIM 210210.

Allele frequency attached by ClinVar (database versions not stated): gnomAD exomes below 0.00001; TOPMed below 0.00001.
gnomAD v4.1: 1 of 1,613,806 alleles (0.000062%); highest among the groups gnomAD compares: Admixed American, 0.0017%; no homozygotes.

Submission:

Labcorp Genetics (formerly Invitae), Labcorp
Classification: Uncertain significance for 3-methylcrotonyl-CoA carboxylase 2 deficiency. Last evaluated: 2022-06-26. Review status: criteria provided, single submitter. Criteria: Invitae Variant Classification Sherloc (09022015). Collection method: clinical testing. Allele origin: germline.
Comment: This sequence change falls in intron 8 of the MCCC2 gene. It does not directly change the encoded amino acid sequence of the MCCC2 protein. It affects a nucleotide within the consensus splice site. This variant is present in population databases (no rsID available, gnomAD 0.003%). This variant has not been reported in the literature in individuals affected with MCCC2-related conditions. Variants that disrupt the consensus splice site are a relatively common cause of aberrant splicing (PMID: 17576681, 9536098). Algorithms developed to predict the effect of sequence changes on RNA splicing suggest that this variant is not likely to affect RNA splicing. In summary, the available evidence is currently insufficient to determine the role of this variant in disease. Therefore, it has been classified as a Variant of Uncertain Significance.

Literature cited by the submitters: PubMed 17576681; PubMed 9536098.

NM_022132.5(MCCC2):c.803+6A>G

Gene: MCCC2 (methylcrotonyl-CoA carboxylase subunit 2; plus strand). Cytogenetic location: 5q13.2.
Variant type: single nucleotide variant.
Coding change: c.803+6A>G on transcript NM_022132.5 (MANE Select); 6 bases into the intron after coding-DNA position 803, A replaced by G.
Molecular consequence: intron variant.
Genome position (GRCh38, 1-based): chr5:71,632,191, A>G. VCF-style: chr5-71632191-A-G. GRCh37 (hg19) VCF-style: chr5-70928018-A-G.
Other names: c.689+6A>G (NM_001363147.1).
Identifiers: ClinVar variation 1967814 (VCV001967814.2), dbSNP rs1275577754, ClinGen allele CA560307668.